The following is an entry in ClinVar:

NM_000751.3(CHRND):c.12A>G (p.Pro4=)

Gene: CHRND (cholinergic receptor nicotinic delta subunit; plus strand). Cytogenetic location: 2q37.1.
Variant type: single nucleotide variant.
Coding change: c.12A>G on transcript NM_000751.3 (MANE Select); coding-DNA position 12, A replaced by G.
Protein change: p.Pro4=; no amino-acid change (proline 4 retained).
Molecular consequence: synonymous variant. On other transcripts: 5 prime UTR variant (2).
Genome position (GRCh38, 1-based): chr2:232,526,227, A>G. VCF-style: chr2-232526227-A-G. GRCh37 (hg19) VCF-style: chr2-233390937-A-G.
Other names: p.Pro4=; c.12A>G, p.Pro4= (NM_001256657.2); c.-260A>G (NM_001311195.2, NM_001311196.2).
Identifiers: ClinVar variation 128757 (VCV000128757.25), dbSNP rs2245601, ClinGen allele CA152398.
Genomic context (GRCh38, chr2:232,526,227, plus strand): 5'-AGCCCTGTAGACAGGAGGGGCAGATGCACGTCCCAGTCAGAGGGATGGGATGGAGGGGCC[A>G]GTGCTGACACTGGGGCTGCTGGCTGCCCTGGCGGTGTGTGGTAAGGGAAGACACCCTCCC-3'
Protein context (NP_000742.1, residues 1-14): MEG[Pro4=]VLTLGLLAAL

ClinVar aggregate classification (germline): Benign. Review status: criteria provided, multiple submitters, no conflicts (2 of 4 stars). 10 submissions from 9 submitters: Benign (10). Last evaluated 2026-02-04.

Conditions:
Congenital myasthenic syndrome (CMS). Also called: Congenital Myasthenic Syndromes. Identifiers: Orphanet 590, MedGen C0751882, MeSH D020294, MONDO:0018940.
Lethal multiple pterygium syndrome (LMPS). Identifiers: Orphanet 33108, MedGen C1854678, MONDO:0009668, OMIM 253290.

Allele frequency attached by ClinVar (database versions not stated): ESP Exome Variant Server 0.44871; gnomAD 0.45730 and 0.46558; TOPMed 0.45837; 1000 Genomes Project 30x 0.48032; 1000 Genomes Project 0.48343; gnomAD exomes 0.49213 and 0.50364; ExAC 0.50103.
gnomAD v4.1: 777,400 of 1,587,830 alleles (49%); highest among the groups gnomAD compares: East Asian, 66%; 189,261 homozygotes.

Submissions (10):

Labcorp Genetics (formerly Invitae), Labcorp
Classification: Benign for Lethal multiple pterygium syndrome. Last evaluated: 2026-02-04. Review status: criteria provided, single submitter. Criteria: Invitae Variant Classification Sherloc (09022015). Collection method: clinical testing. Allele origin: germline.

Blueprint Genetics
Classification: Benign. Last evaluated: 2024-11-26. Review status: criteria provided, single submitter. Criteria: ACMG Guidelines, 2015. Collection method: clinical testing. Allele origin: germline.

Illumina Laboratory Services, Illumina
Classification: Benign for Lethal multiple pterygium syndrome. Last evaluated: 2018-01-13. Review status: criteria provided, single submitter. Criteria: ICSL Variant Classification Criteria 13 December 2019. Collection method: clinical testing. Allele origin: germline.
Comment: This variant was observed in the ICSL laboratory as part of a predisposition screen in an ostensibly healthy population. It had not been previously curated by ICSL or reported in the Human Gene Mutation Database (HGMD: prior to June 1st, 2018), and was therefore a candidate for classification through an automated scoring system. Utilizing variant allele frequency, disease prevalence and penetrance estimates, and inheritance mode, an automated score was calculated to assess if this variant is too frequent to cause the disease. Based on the score and internal cut-off values, a variant classified as benign is not then subjected to further curation. The score for this variant resulted in a classification of benign for this disease.

Illumina Laboratory Services, Illumina
Classification: Benign for Congenital myasthenic syndrome. Last evaluated: 2018-01-13. Review status: criteria provided, single submitter. Criteria: ICSL Variant Classification Criteria 13 December 2019. Collection method: clinical testing. Allele origin: germline.
Comment: the same text as in the submission from Illumina Laboratory Services, Illumina above.

Mayo Clinic Laboratories, Mayo Clinic
Classification: Benign. Last evaluated: 2017-07-21. Review status: criteria provided, single submitter. Criteria: ACMG Guidelines, 2015. Collection method: clinical testing. Allele origin: germline. Observed: 323 variant alleles.

GeneDx
Classification: Benign. Last evaluated: 2016-01-19. Review status: criteria provided, single submitter. Criteria: GeneDx Variant Classification (06012015). Collection method: clinical testing. Allele origin: germline. Affected: yes.
Comment: This variant is considered likely benign or benign based on one or more of the following criteria: it is a conservative change, it occurs at a poorly conserved position in the protein, it is predicted to be benign by multiple in silico algorithms, and/or has population frequency not consistent with disease.

Eurofins Ntd Llc (ga)
Classification: Benign. Last evaluated: 2015-12-09. Review status: criteria provided, single submitter. Criteria: EGL Classification Definitions 2015. Collection method: clinical testing. Allele origin: germline. Observed: 8 variant alleles, 4 heterozygotes, 4 homozygotes.

Genetic Services Laboratory, University of Chicago
Classification: Benign for AllHighlyPenetrant. Last evaluated: 2013-08-15. Review status: criteria provided, single submitter. Criteria: ACMG Guidelines, 2007. Collection method: clinical testing. Allele origin: germline.

Breakthrough Genomics
Classification: Benign. Review status: criteria provided, single submitter. Criteria: ACMG Guidelines, 2015. Collection method: not provided. Allele origin: germline. Inheritance: Autosomal recessive inheritance. Affected: yes.

PreventionGenetics, part of Exact Sciences
Classification: Benign. Review status: criteria provided, single submitter. Criteria: ACMG Guidelines, 2015. Collection method: clinical testing. Allele origin: germline.